The following is an entry in ClinVar:

NM_012210.4(TRIM32):c.479T>C (p.Met160Thr)

Genes: ASTN2 (astrotactin 2; minus strand), TRIM32 (tripartite motif containing 32; plus strand). Cytogenetic location: 9q33.1.
Variant type: single nucleotide variant.
Coding change: c.479T>C on transcript NM_012210.4 (MANE Select); coding-DNA position 479, T replaced by C.
Protein change: p.Met160Thr; replaces methionine 160 with threonine.
Molecular consequence: missense variant. On other transcripts: intron variant (3).
Genome position (GRCh38, 1-based): chr9:116,698,221, T>C. VCF-style: chr9-116698221-T-C. GRCh37 (hg19) VCF-style: chr9-119460500-T-C.
Other names: c.479T>C, p.Met160Thr (NM_001099679.2, NM_001379048.1, NM_001379049.1 and 1 more transcripts); c.2653+27550A>G (NM_014010.5); c.2794+27550A>G (NM_001365069.1); c.2806+27550A>G (NM_001365068.1); short protein forms M160T.
Identifiers: ClinVar variation 645718 (VCV000645718.15), dbSNP rs199699832, ClinGen allele CA5210989.

ClinVar aggregate classification (germline): Uncertain significance. Review status: criteria provided, multiple submitters, no conflicts (2 of 4 stars). 5 submissions from 5 submitters: Uncertain significance (4). 1 of the submissions does not count toward it. Last evaluated 2025-05-13.

Conditions:
Inborn genetic diseases. Identifiers: MedGen C0950123, MeSH D030342.
TRIM32-related disorder. Also called: TRIM32-related condition.
Bardet-Biedl syndrome 11 (BBS11). Identifiers: Orphanet 110, MedGen C1859569, MONDO:0014439, OMIM 615988.
Sarcotubular myopathy (LGMDR8). Also called: Autosomal recessive limb-girdle muscular dystrophy type 2H; MUSCULAR DYSTROPHY, LIMB-GIRDLE, AUTOSOMAL RECESSIVE 8; Limb-girdle muscular dystrophy, type 2H; Hutterite type of muscular dystrophy. Identifiers: Orphanet 1878, MedGen C0270968, MONDO:0009683, OMIM 254110.
Bardet-Biedl syndrome (BBS). Identifiers: Orphanet 110, MedGen C0752166, MONDO:0015229.

Allele frequency attached by ClinVar (database versions not stated): TOPMed 0.00002.
gnomAD v4.1: 42 of 1,613,960 alleles (0.0026%); highest among the groups gnomAD compares: Admixed American, 0.0083%; no homozygotes.

Submissions (5):

Ambry Genetics
Classification: Uncertain significance for Inborn genetic diseases. Last evaluated: 2025-05-13. Review status: criteria provided, single submitter. Criteria: Ambry Variant Classification Scheme 2023. Collection method: clinical testing. Allele origin: germline.

GeneDx
Classification: Uncertain significance. Last evaluated: 2024-10-23. Review status: criteria provided, single submitter. Criteria: GeneDx Variant Classification Process June 2021. Collection method: clinical testing. Allele origin: germline. Affected: yes.
Comment: In silico analysis indicates that this missense variant does not alter protein structure/function; Has not been previously published as pathogenic or benign to our knowledge

Labcorp Genetics (formerly Invitae), Labcorp
Classification: Uncertain significance for Bardet-Biedl syndrome. Last evaluated: 2022-09-01. Review status: criteria provided, single submitter. Criteria: Invitae Variant Classification Sherloc (09022015). Collection method: clinical testing. Allele origin: germline.
Comment: This sequence change replaces methionine, which is neutral and non-polar, with threonine, which is neutral and polar, at codon 160 of the TRIM32 protein (p.Met160Thr). This variant is present in population databases (rs199699832, gnomAD 0.08%). This variant has not been reported in the literature in individuals affected with TRIM32-related conditions. ClinVar contains an entry for this variant (Variation ID: 645718). Algorithms developed to predict the effect of missense changes on protein structure and function output the following: SIFT: "Tolerated"; PolyPhen-2: "Benign"; Align-GVGD: "Class C0". The threonine amino acid residue is found in multiple mammalian species, which suggests that this missense change does not adversely affect protein function. In summary, the available evidence is currently insufficient to determine the role of this variant in disease. Therefore, it has been classified as a Variant of Uncertain Significance.

Fulgent Genetics
Classification: Uncertain significance for Sarcotubular myopathy; Bardet-Biedl syndrome 11. Last evaluated: 2021-08-12. Review status: criteria provided, single submitter. Criteria: ACMG Guidelines, 2015. Collection method: clinical testing. Allele origin: unknown.

PreventionGenetics, part of Exact Sciences
Classification: Uncertain significance for TRIM32-related condition. Last evaluated: 2024-01-09. Review status: no assertion criteria provided. Collection method: clinical testing. Allele origin: germline. Not counted in ClinVar's aggregate classification.
Comment: The TRIM32 c.479T>C variant is predicted to result in the amino acid substitution p.Met160Thr. To our knowledge, this variant has not been reported in the literature. This variant is reported in 0.079% of alleles in individuals of Ashkenazi Jewish descent in gnomAD, which is likely too frequent to be an undocumented cause of disease. Although we suspect that this variant may be benign, at this time, the clinical significance of this variant is uncertain due to the absence of conclusive functional and genetic evidence.